The following is an entry in ClinVar:

ClinVar aggregate classification (germline): Uncertain significance (1 of 4 stars; one submission).

Submission:

Women's Health and Genetics/Laboratory Corporation of America, LabCorp
Classification: Uncertain significance. Last evaluated: 2024-01-15. Review status: criteria provided, single submitter. Criteria: LabCorp Variant Classification Summary - May 2015. Collection method: clinical testing. Allele origin: germline.
Comment: Variant summary: KMT2A c.1877G>A (p.Arg626Lys) results in a conservative amino acid change in the encoded protein sequence. Four of five in-silico tools predict a benign effect of the variant on protein function. The variant was absent in 251336 control chromosomes (gnomAD). The available data on variant occurrences in the general population are insufficient to allow any conclusion about variant significance. To our knowledge, no occurrence of c.1877G>A in individuals affected with Wiedemann-Steiner Syndrome and no experimental evidence demonstrating its impact on protein function have been reported. No submitters have cited clinical-significance assessments for this variant to ClinVar. Based on the evidence outlined above, the variant was classified as uncertain significance.

NM_001197104.2(KMT2A):c.1877G>A (p.Arg626Lys)

Gene: KMT2A (lysine methyltransferase 2A; plus strand). Cytogenetic location: 11q23.3.
Variant type: single nucleotide variant.
Coding change: c.1877G>A on transcript NM_001197104.2 (MANE Select); coding-DNA position 1877, G replaced by A.
Protein change: p.Arg626Lys; replaces arginine 626 with lysine.
Molecular consequence: missense variant.
Genome position (GRCh38, 1-based): chr11:118,473,036, G>A. VCF-style: chr11-118473036-G-A. GRCh37 (hg19) VCF-style: chr11-118343751-G-A.
Other names: c.1976G>A, p.Arg659Lys (NM_001412597.1); c.1877G>A, p.Arg626Lys (NM_005933.4); short protein forms R626K, R659K.
Identifiers: ClinVar variation 3063920 (VCV003063920.1), dbSNP rs2134264871, ClinGen allele CA382811448.